The following is an entry in ClinVar:

ClinVar aggregate classification (germline): Uncertain significance (1 of 4 stars; one submission).

Conditions:
Congenital myasthenic syndrome 8. Also called: MYASTHENIC SYNDROME, CONGENITAL, DUE TO AGRIN DEFICIENCY; Myasthenic syndrome, congenital, 8, with pre- and postsynaptic defects. Identifiers: Orphanet 590, MedGen C3808739, MONDO:0014052, OMIM 615120.

gnomAD v4.1: 7 of 1,613,628 alleles (0.00043%); highest among the groups gnomAD compares: Non-Finnish European, 0.00059%; no homozygotes.

Submission:

Labcorp Genetics (formerly Invitae), Labcorp
Classification: Uncertain significance for Congenital myasthenic syndrome 8. Last evaluated: 2024-11-02. Review status: criteria provided, single submitter. Criteria: Invitae Variant Classification Sherloc (09022015). Collection method: clinical testing. Allele origin: germline.
Comment: This sequence change replaces cysteine, which is neutral and slightly polar, with serine, which is neutral and polar, at codon 955 of the AGRN protein (p.Cys955Ser). This variant is not present in population databases (gnomAD no frequency). This variant has not been reported in the literature in individuals affected with AGRN-related conditions. An algorithm developed to predict the effect of missense changes on protein structure and function (PolyPhen-2) suggests that this variant is likely to be tolerated. In summary, the available evidence is currently insufficient to determine the role of this variant in disease. Therefore, it has been classified as a Variant of Uncertain Significance.

NM_198576.4(AGRN):c.2864G>C (p.Cys955Ser)

Gene: AGRN (agrin; plus strand). Cytogenetic location: 1p36.33.
Variant type: single nucleotide variant.
Coding change: c.2864G>C on transcript NM_198576.4 (MANE Select); coding-DNA position 2864, G replaced by C.
Protein change: p.Cys955Ser; replaces cysteine 955 with serine.
Molecular consequence: missense variant.
Genome position (GRCh38, 1-based): chr1:1,046,218, G>C. VCF-style: chr1-1046218-G-C. GRCh37 (hg19) VCF-style: chr1-981598-G-C.
Other names: c.2864G>C, p.Cys955Ser (NM_001305275.2); c.2549G>C, p.Cys850Ser (NM_001364727.2); short protein forms C955S, C850S.
Identifiers: ClinVar variation 3696668 (VCV003696668.2).
Genomic context (GRCh38, chr1:1,046,218, plus strand): 5'-AGGTCTGTGGGTCAGATGGAGTCACATACGGCAACGAGTGTCAGCTGAAGACCATCGCCT[G>C]CCGCCAGGGCCTGCAAATCTCTATCCAGAGCCTGGGCCCGTGCCAGGGTGAGGCCTGACG-3'
Protein context (NP_940978.2, residues 945-965): GNECQLKTIA[Cys955Ser]RQGLQISIQS